The following is an entry in ClinVar:

NM_001322934.2(NFKB2):c.1117+7G>T

Gene: NFKB2 (nuclear factor kappa B subunit 2; plus strand). Cytogenetic location: 10q24.32.
Variant type: single nucleotide variant.
Coding change: c.1117+7G>T on transcript NM_001322934.2 (MANE Select); 7 bases into the intron after coding-DNA position 1117, G replaced by T.
Molecular consequence: intron variant.
Genome position (GRCh38, 1-based): chr10:102,398,871, G>T. VCF-style: chr10-102398871-G-T. GRCh37 (hg19) VCF-style: chr10-104158628-G-T.
Other names: c.1117+7G>T (NM_001288724.1, NM_001077494.3, NM_001261403.3 and 1 more transcripts); c.991+348G>T (NM_001322935.1).
Identifiers: ClinVar variation 778967 (VCV000778967.34), dbSNP rs188346889, ClinGen allele CA5664728.

ClinVar aggregate classification (germline): Benign/Likely benign. Review status: criteria provided, multiple submitters, no conflicts (2 of 4 stars). 3 submissions from 3 submitters: Benign (1); Likely benign (2). Last evaluated 2026-01-21.

Conditions:
Immunodeficiency, common variable, 10. Also called: DEFICIT IN ANTERIOR PITUITARY FUNCTION AND VARIABLE IMMUNODEFICIENCY; IMMUNODEFICIENCY, COMMON VARIABLE, WITH CENTRAL ADRENAL INSUFFICIENCY. Identifiers: MedGen C3809991, MONDO:0014260, OMIM 615577.

Allele frequency attached by ClinVar (database versions not stated): gnomAD 0.00026 and 0.00025; gnomAD exomes 0.00028 and 0.00038; ExAC 0.00038; TOPMed 0.00048.

Submissions (4):

Labcorp Genetics (formerly Invitae), Labcorp
Classification: Benign for Immunodeficiency, common variable, 10. Last evaluated: 2026-01-21. Review status: criteria provided, single submitter. Criteria: Invitae Variant Classification Sherloc (09022015). Collection method: clinical testing. Allele origin: germline.

Blueprint Genetics
Classification: Likely benign. Last evaluated: 2024-11-11. Review status: criteria provided, single submitter. Criteria: ACMG Guidelines, 2015. Collection method: clinical testing. Allele origin: germline.

CeGaT Center for Human Genetics Tuebingen
Classification: Likely benign. Last evaluated: 2024-01-01. Review status: criteria provided, single submitter. Criteria: CeGaT Center For Human Genetics Tuebingen Variant Classification Criteria Version 2. Collection method: clinical testing. Allele origin: germline. Affected: yes. Observed: 1 variant allele.
Comment: NFKB2: BP4, BS1

Dr. Peter K. Rogan Lab, Western University
No classification provided (evidence only). Condition: Malignant tumor of esophagus. Review status: no classification provided. Collection method: in vitro. Allele origin: not applicable. Functional consequence: retained intron. Not counted in ClinVar's aggregate classification.